The following is an entry in ClinVar:

ClinVar aggregate classification (germline): Uncertain significance. Review status: criteria provided, multiple submitters, no conflicts (2 of 4 stars). 2 submissions from 2 submitters: Uncertain significance (2). Last evaluated 2024-03-01.

Conditions:
Intellectual disability, X-linked 49 (MRXSRC). Also called: MRX49; CLCN4-Related Neurodevelopmental Disorder; MENTAL RETARDATION, X-LINKED 15; CLCN4-related X-linked intellectual disability syndrome; RAYNAUD-CLAES SYNDROME. Identifiers: Orphanet 485350, Orphanet 777, MedGen C0796221, MONDO:0010250, OMIM 300114.

gnomAD v4.1: 4 of 1,209,852 alleles (0.00033%); highest among the groups gnomAD compares: East Asian, 0.012%; no homozygotes.

Submissions (3):

Pittsburgh Clinical Genomics Laboratory, University of Pittsburgh Medical Center
Classification: Uncertain significance for Intellectual disability, X-linked 49. Last evaluated: 2024-03-01. Review status: criteria provided, single submitter. Criteria: ACMG Guidelines, 2015. Collection method: clinical testing. Allele origin: germline. Inheritance: X-linked inheritance. Affected: yes.
Comment: This sequence variant is a single nucleotide substitution (A>G) at position 469 of the coding sequence of the CLCN4 gene that results in an isoleucine to valine amino acid change at residue 157 of the chloride voltage-gated channel 4 protein. This is a previously reported variant (ClinVar 1810083) that has not been observed in the literature in individuals affected by CLCN4-related disease, to our knowledge. This variant is present in 4/457197 alleles (0.0008749%, 0 hemizygotes) in the gnomAD v4.0.0 population database. Multiple bioinformatic tools predict that this amino acid change would be neutral. Though the Ile157 residue at this position is highly conserved across the vertebrate species examined, valine is present at this position in multiple mammalian species. Studies examining the functional consequence of this variant have not been performed, to our knowledge. At this time, there is insufficient evidence to determine if this variant is pathogenic or benign. Therefore, we consider this a variant of uncertain significance. ACMG Criteria: BP4, PM2

GeneDx
Classification: Uncertain significance. Last evaluated: 2023-04-24. Review status: criteria provided, single submitter. Criteria: GeneDx Variant Classification Process June 2021. Collection method: clinical testing. Allele origin: germline. Affected: yes.
Comment: Not observed at significant frequency in large population cohorts (gnomAD); In silico analysis supports that this missense variant does not alter protein structure/function; Has not been previously published as pathogenic or benign to our knowledge

Dr. Peter K. Rogan Lab, Western University
No classification provided (evidence only). Condition: Nonpapillary renal cell carcinoma. Review status: no classification provided. Collection method: in vitro. Allele origin: not applicable. Functional consequence: retained intron. Not counted in ClinVar's aggregate classification.

NM_001830.4(CLCN4):c.469A>G (p.Ile157Val)

Gene: CLCN4 (Cl-/H+ antiporter 4; plus strand). Cytogenetic location: Xp22.2.
Variant type: single nucleotide variant.
Coding change: c.469A>G on transcript NM_001830.4 (MANE Select); coding-DNA position 469, A replaced by G.
Protein change: p.Ile157Val; replaces isoleucine 157 with valine.
Molecular consequence: missense variant.
Genome position (GRCh38, 1-based): chrX:10,197,975, A>G. VCF-style: chrX-10197975-A-G. GRCh37 (hg19) VCF-style: chrX-10166015-A-G.
Other names: NC_000023.10:g.10166015A>G; c.187A>G, p.Ile63Val (NM_001256944.2); short protein forms I157V, I63V.
Identifiers: ClinVar variation 1810083 (VCV001810083.4), dbSNP rs913431577, ClinGen allele CA412034740.